The following is an entry in ClinVar:

ClinVar aggregate classification (germline): Uncertain significance (1 of 4 stars; one submission).

Conditions:
Familial thoracic aortic aneurysm and aortic dissection (TAAD). Also called: Thoracic aortic aneurysms and dissections. Identifiers: Orphanet 91387, MedGen C4707243, MONDO:0019625.

Submission:

Labcorp Genetics (formerly Invitae), Labcorp
Classification: Uncertain significance for Familial thoracic aortic aneurysm and aortic dissection. Last evaluated: 2019-09-13. Review status: criteria provided, single submitter. Criteria: Invitae Variant Classification Sherloc (09022015). Collection method: clinical testing. Allele origin: germline.
Comment: This sequence change replaces proline with leucine at codon 525 of the TGFBR2 protein (p.Pro525Leu). The proline residue is highly conserved and there is a moderate physicochemical difference between proline and leucine. This variant is not present in population databases (ExAC no frequency). This variant has been reported to affect TGFBR2 protein function (PMID: 7862150). In summary, the available evidence is currently insufficient to determine the role of this variant in disease. Therefore, it has been classified as a Variant of Uncertain Significance.

Literature cited by the submitters: PubMed 7862150.

NM_003242.6(TGFBR2):c.1574C>T (p.Pro525Leu)

Gene: TGFBR2 (transforming growth factor beta receptor 2; plus strand). Cytogenetic location: 3p24.1.
Variant type: single nucleotide variant.
Coding change: c.1574C>T on transcript NM_003242.6 (MANE Select); coding-DNA position 1574, C replaced by T.
Protein change: p.Pro525Leu; replaces proline 525 with leucine.
Molecular consequence: missense variant.
Genome position (GRCh38, 1-based): chr3:30,691,469, C>T. VCF-style: chr3-30691469-C-T. GRCh37 (hg19) VCF-style: chr3-30732961-C-T.
Other names: c.1649C>T, p.Pro550Leu (NM_001024847.3); c.1757C>T, p.Pro586Leu (NM_001407126.1); c.1682C>T, p.Pro561Leu (NM_001407127.1); c.1601C>T, p.Pro534Leu (NM_001407128.1); c.1577C>T, p.Pro526Leu (NM_001407129.1); c.1571C>T, p.Pro524Leu (NM_001407130.1); c.1469C>T, p.Pro490Leu (NM_001407132.1, NM_001407133.1, NM_001407134.1 and 2 more transcripts); c.1289C>T, p.Pro430Leu (NM_001407137.1); and 2 more; short protein forms P525L, P550L, P490L, P526L, P534L, P235L, P430L, P524L.
Identifiers: ClinVar variation 962254 (VCV000962254.7), dbSNP rs1699708427, ClinGen allele CA351809588.
Genomic context (GRCh38, chr3:30,691,469, plus strand): 5'-TCCCGCTACAGGGCATCCAGATGGTGTGTGAGACGTTGACTGAGTGCTGGGACCACGACC[C>T]AGAGGCCCGTCTCACAGCCCAGTGTGTGGCAGAACGCTTCAGTGAGCTGGAGCATCTGGA-3'
Protein context (NP_003233.4, residues 515-535): ETLTECWDHD[Pro525Leu]EARLTAQCVA